The following is an entry in ClinVar:

NM_000260.4(MYO7A):c.2003G>A (p.Arg668His)

Gene: MYO7A (myosin VIIA; plus strand). Cytogenetic location: 11q13.5.
Variant type: single nucleotide variant.
Coding change: c.2003G>A on transcript NM_000260.4 (MANE Select); coding-DNA position 2003, G replaced by A.
Protein change: p.Arg668His; replaces arginine 668 with histidine.
Molecular consequence: missense variant.
Genome position (GRCh38, 1-based): chr11:77,174,823, G>A. VCF-style: chr11-77174823-G-A. GRCh37 (hg19) VCF-style: chr11-76885869-G-A.
Other names: c.2003G>A, p.Arg668His (NM_001127180.2); c.1970G>A, p.Arg657His (NM_001369365.1); short protein forms R668H, R657H.
Identifiers: ClinVar variation 968152 (VCV000968152.13), dbSNP rs368575149, ClinGen allele CA224837120.

ClinVar aggregate classification (germline): Conflicting classifications of pathogenicity. Review status: criteria provided, conflicting classifications (1 of 4 stars). 6 submissions from 6 submitters: Pathogenic (2); Likely pathogenic (3); Uncertain significance (1). Last evaluated 2026-09-16.

Conditions:
Usher syndrome type 1 (USH1). Also called: RETINITIS PIGMENTOSA AND CONGENITAL DEAFNESS. Identifiers: Orphanet 231169, Orphanet 886, MedGen C1568247, MONDO:0010168, OMIM 276900.
Autosomal dominant nonsyndromic hearing loss 11. Identifiers: Orphanet 90635, MedGen C1832475, MONDO:0011032, OMIM 601317.
Usher syndrome type 1B (USH1B). Also called: Usher syndrome type IB. Identifiers: MedGen C1848638, MONDO:0700087.

Allele frequency attached by ClinVar (database versions not stated): gnomAD exomes below 0.00001; TOPMed 0.00001; ESP Exome Variant Server 0.00008.
gnomAD v4.1: 2 of 1,613,276 alleles (0.00012%); highest among the groups gnomAD compares: Non-Finnish European, 0.00017%; no homozygotes.

Submissions (6):

Myriad Genetics, Inc.
Classification: Likely pathogenic for Usher syndrome type 1. Last evaluated: 2026-09-16. Review status: criteria provided, single submitter. Criteria: Myriad Autosomal Dominant, Autosomal Recessive and X-Linked Classification Criteria (2023). Collection method: clinical testing. Allele origin: unknown.
Comment: NM_000260.3(MYO7A):c.2003G>A(R668H) is a missense variant classified as likely pathogenic in the context of MYO7A-related disorders. Please note that R668H is associated with autosomal dominant nonsyndromic hearing loss. The reproductive risk may be as high as 50%. Carriers may exhibit symptoms. R668H has been observed in cases with relevant disease (PMID: 3859430, 23383098). Relevant functional assessments of this variant are available in the literature (PMID: 40110717). R668H has not been observed in referenced population frequency databases. In summary, NM_000260.3(MYO7A):c.2003G>A(R668H) is a missense variant that has functional support for pathogenicity and has been observed more frequently in cases with the relevant disease than in healthy populations. Please note: this variant was assessed in the context of healthy population screening.

Natera, Inc.
Classification: Likely pathogenic for Usher syndrome type 1B. Last evaluated: 2026-01-29. Review status: criteria provided, single submitter. Criteria: Natera Variant Classification Schema (03/2026). Collection method: clinical testing. Allele origin: germline.
Comment: The c.2003G>A variant in MYO7A is a missense variant predicted to cause substitution of arginine to histidine at amino acid 668. This variant is rare in the general population with a frequency below the threshold expected for the associated phenotype(s). This variant has been observed in affected individual(s) with monoallelic occurrence (heterozygous/hemizygous) (PMID: 23383098, 38594301). Additionally, this variant has been observed to segregate in affected family members (PMID: 23383098). Computational prediction algorithms indicate this variant is likely to affect gene or protein function. Given the available evidence, this variant is classified as Likely Pathogenic.

Variantyx, Inc.
Classification: Likely pathogenic for Autosomal dominant nonsyndromic hearing loss 11. Last evaluated: 2025-10-03. Review status: criteria provided, single submitter. Criteria: Variantyx Assertion Criteria 2022. Collection method: clinical testing. Allele origin: germline. Inheritance: Autosomal dominant inheritance. Affected: yes.
Comment: This is a nonsynonymous variant in the MYO7A gene (OMIM: 276903). Pathogenic variants in this gene have been associated with autosomal dominant deafness 11. This variant has been observed to segregate with disease in at least 9 individuals from one family (PMID: 23383098) (PP1). Functional studies have shown that this variant alters MYO7A protein function (PMID: 23383098) (PS3_Moderate) and multiple computational algorithms predict a deleterious effect for this variant (REVEL score: 0.886) (PP3). This variant has a 0.0002% maximum allele frequency in non-founder control populations (PM2). Based on the current evidence, this variant is classified as likely pathogenic for autosomal dominant deafness 11.

Women's Health and Genetics/Laboratory Corporation of America, LabCorp
Classification: Pathogenic for Autosomal dominant nonsyndromic hearing loss 11. Last evaluated: 2025-06-24. Review status: criteria provided, single submitter. Criteria: LabCorp Variant Classification Summary - May 2015. Collection method: clinical testing. Allele origin: germline.
Comment: Variant summary: MYO7A c.2003G>A (p.Arg668His) results in a non-conservative amino acid change in the encoded protein sequence. Algorithms developed to predict the effect of missense changes on protein structure and function all suggest that this variant is likely to be disruptive. The variant was absent in 246932 control chromosomes. c.2003G>A has been observed in the heterozygous state multiple individuals affected with Autosomal Dominant Nonsyndromic Hearing Loss 11 and segregated with disease in at least one family (Wantabe_2024, Sang_2013). These data indicate that the variant is very likely to be associated with disease. At least one publication reports experimental evidence indicating that this variant disrupts protein function (Sang_2013). The following publications have been ascertained in the context of this evaluation (PMID: 23383098, 38594301). ClinVar contains an entry for this variant (Variation ID: 968152). Based on the evidence outlined above, the variant was classified as pathogenic.

Labcorp Genetics (formerly Invitae), Labcorp
Classification: Pathogenic. Last evaluated: 2022-03-10. Review status: criteria provided, single submitter. Criteria: Invitae Variant Classification Sherloc (09022015). Collection method: clinical testing. Allele origin: germline.
Comment: For these reasons, this variant has been classified as Pathogenic. This variant disrupts the p.Arg668 amino acid residue in MYO7A. Other variant(s) that disrupt this residue have been determined to be pathogenic (PMID: 26969326; Invitae). This suggests that this residue is clinically significant, and that variants that disrupt this residue are likely to be disease-causing. Experimental studies have shown that this missense change affects MYO7A function (PMID: 23383098). Advanced modeling of protein sequence and biophysical properties (such as structural, functional, and spatial information, amino acid conservation, physicochemical variation, residue mobility, and thermodynamic stability) performed at Invitae indicates that this missense variant is expected to disrupt MYO7A protein function. ClinVar contains an entry for this variant (Variation ID: 968152). This missense change has been observed in individual(s) with autosomal dominant deafness (PMID: 23383098). It has also been observed to segregate with disease in related individuals. This variant is not present in population databases (gnomAD no frequency). This sequence change replaces arginine, which is basic and polar, with histidine, which is basic and polar, at codon 668 of the MYO7A protein (p.Arg668His).

Blueprint Genetics
Classification: Uncertain significance. Last evaluated: 2021-12-02. Review status: criteria provided, single submitter. Criteria: ACMG Guidelines, 2015. Collection method: clinical testing. Allele origin: germline.

Literature cited by the submitters: PubMed 23383098 (cited by 5 submitters); PubMed 3859430 (cited by Myriad Genetics, Inc.); PubMed 40110717 (cited by Myriad Genetics, Inc.); PubMed 38594301 (cited by Natera, Inc. and Women's Health and Genetics/Laboratory Corporation of America, LabCorp); PubMed 26969326 (cited by Labcorp Genetics (formerly Invitae), Labcorp).